The following is an entry in ClinVar:

NM_001374623.1(PNPLA1):c.275del (p.Pro92fs)

Gene: PNPLA1 (patatin like domain 1, omega-hydroxyceramide transacylase; plus strand). Cytogenetic location: 6p21.31.
Variant type: Deletion.
Coding change: c.275del on transcript NM_001374623.1 (MANE Select); coding-DNA position 275, one base deleted (C; older notation c.275delC).
Protein change: p.Pro92fs; shifts the reading frame from proline 92.
Molecular consequence: frameshift variant. On other transcripts: 5 prime UTR variant (2).
Genome position (GRCh38, 1-based): chr6:36,291,389, C deleted; the last of 4 consecutive C bases (chr6:36,291,386-36,291,389); deleting any one gives the same sequence. VCF-style (leftmost placement, unchanged base first): chr6-36291385-TC-T. GRCh37 (hg19) VCF-style: chr6-36259162-TC-T.
Other names: c.-11del (NM_001145716.2, NM_173676.2); c.275del, p.Pro92fs (NM_001145717.1); short protein forms P92fs.
Identifiers: ClinVar variation 2136383 (VCV002136383.4), dbSNP rs748240234, ClinGen allele CA3777631.

ClinVar aggregate classification (germline): Pathogenic (1 of 4 stars; one submission).

Submission:

Labcorp Genetics (formerly Invitae), Labcorp
Classification: Pathogenic. Last evaluated: 2022-06-29. Review status: criteria provided, single submitter. Criteria: Invitae Variant Classification Sherloc (09022015). Collection method: clinical testing. Allele origin: germline.
Comment: For these reasons, this variant has been classified as Pathogenic. This premature translational stop signal has been observed in individual(s) with ichthyosis (PMID: 28093717). This variant is present in population databases (rs748240234, gnomAD 0.006%). This sequence change creates a premature translational stop signal (p.Pro92Argfs*8) in the PNPLA1 gene. It is expected to result in an absent or disrupted protein product. Loss-of-function variants in PNPLA1 are known to be pathogenic (PMID: 22246504, 28093717).

Literature cited by the submitters: PubMed 28093717; PubMed 22246504.